The following is an entry in ClinVar:

NM_000059.4(BRCA2):c.2312T>G (p.Leu771Ter)

Gene: BRCA2 (BRCA2 DNA repair associated; plus strand). Cytogenetic location: 13q13.1.
Variant type: single nucleotide variant.
Coding change: c.2312T>G on transcript NM_000059.4 (MANE Select); coding-DNA position 2312, T replaced by G.
Protein change: p.Leu771Ter; replaces leucine 771 with a stop codon.
Molecular consequence: nonsense.
Genome position (GRCh38, 1-based): chr13:32,336,667, T>G. VCF-style: chr13-32336667-T-G. GRCh37 (hg19) VCF-style: chr13-32910804-T-G.
Other names: short protein forms L771*.
Identifiers: ClinVar variation 141901 (VCV000141901.28), dbSNP rs587782095, ClinGen allele CA014913.
Genomic context (GRCh38, chr13:32,336,667, plus strand): 5'-CTGACTTTCAATCCCAGAAAAGTCTTTTATATGATCATGAAAATGCCAGCACTCTTATTT[T>G]AACTCCTACTTCCAAGGATGTTCTGTCAAACCTAGTCATGATTTCTAGAGGCAAAGAATC-3'

ClinVar aggregate classification (germline): Pathogenic. Review status: reviewed by expert panel (3 of 4 stars). 8 submissions from 8 submitters: Pathogenic (1). 7 of the submissions do not count toward it. Last evaluated 2016-09-08.

Conditions:
Hereditary cancer-predisposing syndrome. Also called: Neoplastic Syndromes, Hereditary; Hereditary Cancer Syndrome; Hereditary neoplastic syndrome; Tumor predisposition. Identifiers: Orphanet 140162, MedGen C0027672, MeSH D009386, MONDO:0015356.
Hereditary breast ovarian cancer syndrome. Also called: Hereditary breast and ovarian cancer syndrome; Hereditary breast and/or ovarian cancer syndrome; BRCA1- and BRCA2-Associated Hereditary Breast and Ovarian Cancer; Hereditary breast and ovarian cancer; Breast and ovarian cancer; Hereditary breast and ovarian cancer syndrome (HBOC). Identifiers: Orphanet 145, MedGen C0677776, MeSH D061325, MONDO:0003582. Disease mechanism: loss of function.
Breast-ovarian cancer, familial, susceptibility to, 2 (BROVCA2). Also called: BRCA2 Hereditary Breast and Ovarian Cancer. Identifiers: Orphanet 145, MedGen C2675520, MONDO:0012933, OMIM 612555. Disease mechanism: loss of function.

Allele frequency attached by ClinVar (database versions not stated): gnomAD 0.00001.
gnomAD v4.1: 1 of 1,613,864 alleles (0.000062%); highest among the groups gnomAD compares: Non-Finnish European, 0.000085%; no homozygotes.

Submissions (8):

Evidence-based Network for the Interpretation of Germline Mutant Alleles (ENIGMA)
Classification: Pathogenic for Breast-ovarian cancer, familial, susceptibility to, 2. Last evaluated: 2016-09-08. Review status: reviewed by expert panel. Criteria: ENIGMA BRCA1/2 Classification Criteria (2015). Collection method: curation. Allele origin: germline.
Comment: Variant allele predicted to encode a truncated non-functional protein.

Color Diagnostics, LLC DBA Color Health
Classification: Pathogenic for Hereditary cancer-predisposing syndrome. Last evaluated: 2025-01-07. Review status: criteria provided, single submitter. Criteria: ACMG Guidelines, 2015. Collection method: clinical testing. Allele origin: germline. Not counted in ClinVar's aggregate classification.
Comment: This variant changes 1 nucleotide in exon 11 of the BRCA2 gene, creating a premature translation stop signal. This variant is expected to result in an absent or non-functional protein product. This variant has been reported in two unrelated individuals with a personal or familial history of breast and/or ovarian cancer (PMID: 24156927). This variant has been identified in 1/31398 chromosomes in the general population by the Genome Aggregation Database (gnomAD). Loss of BRCA2 function is a known mechanism of disease. Based on the available evidence, this variant is classified as Pathogenic.

Labcorp Genetics (formerly Invitae), Labcorp
Classification: Pathogenic for Hereditary breast ovarian cancer syndrome. Last evaluated: 2023-12-13. Review status: criteria provided, single submitter. Criteria: Invitae Variant Classification Sherloc (09022015). Collection method: clinical testing. Allele origin: germline. Not counted in ClinVar's aggregate classification.
Comment: This sequence change creates a premature translational stop signal (p.Leu771*) in the BRCA2 gene. It is expected to result in an absent or disrupted protein product. Loss-of-function variants in BRCA2 are known to be pathogenic (PMID: 20104584). This variant is present in population databases (rs587782095, gnomAD 0.007%). This premature translational stop signal has been observed in individual(s) with a personal or family history of breast and/or ovarian cancer (PMID: 24156927). ClinVar contains an entry for this variant (Variation ID: 141901). For these reasons, this variant has been classified as Pathogenic.

Ambry Genetics
Classification: Pathogenic for Hereditary cancer-predisposing syndrome. Last evaluated: 2023-02-22. Review status: criteria provided, single submitter. Criteria: Ambry Variant Classification Scheme 2023. Collection method: clinical testing. Allele origin: germline. Not counted in ClinVar's aggregate classification.
Comment: The p.L771* pathogenic mutation (also known as c.2312T>G), located in coding exon 10 of the BRCA2 gene, results from a T to G substitution at nucleotide position 2312. This changes the amino acid from a leucine to a stop codon within coding exon 10. This alteration has been reported in two unrelated Austrian individuals with Hereditary Breast and Ovarian Cancer syndrome (Tea MK et al. Maturitas 2014 Jan; 77(1):68-72). In addition to the clinical data presented in the literature, this alteration is expected to result in loss of function by premature protein truncation or nonsense-mediated mRNA decay. As such, this alteration is interpreted as a disease-causing mutation.

GeneDx
Classification: Pathogenic. Last evaluated: 2022-07-28. Review status: criteria provided, single submitter. Criteria: GeneDx Variant Classification Process June 2021. Collection method: clinical testing. Allele origin: germline. Affected: yes. Not counted in ClinVar's aggregate classification.
Comment: Nonsense variant predicted to result in protein truncation or nonsense mediated decay in a gene for which loss of function is a known mechanism of disease; Observed in individuals with personal and/or family history consistent with pathogenic variants in this gene (Tea et al., 2014); Not observed at significant frequency in large population cohorts (gnomAD); Truncating variants in this gene are considered pathogenic by a well-established clinical consortium and/or database; Also known as 2540T>G; This variant is associated with the following publications: (PMID: 28152038, 27614696, 29446198, 30720243, 24156927)

Revvity Omics, Revvity
Classification: Pathogenic. Last evaluated: 2022-02-16. Review status: criteria provided, single submitter. Criteria: ACMG Guidelines, 2015. Collection method: clinical testing. Allele origin: germline. Not counted in ClinVar's aggregate classification.

Consortium of Investigators of Modifiers of BRCA1/2 (CIMBA), c/o University of Cambridge
Classification: Pathogenic for Breast-ovarian cancer, familial, susceptibility to, 2. Last evaluated: 2015-10-02. Review status: criteria provided, single submitter. Criteria: CIMBA Mutation Classification guidelines May 2016. Collection method: clinical testing. Allele origin: germline. Not counted in ClinVar's aggregate classification.

Research Molecular Genetics Laboratory, Women's College Hospital, University of Toronto
Classification: Pathogenic for Hereditary breast ovarian cancer syndrome. Last evaluated: 2014-01-31. Review status: no assertion criteria provided. Collection method: research. Allele origin: germline. Affected: yes. Study: The Canadian Open Genetics Repository (COGR). Not counted in ClinVar's aggregate classification.

Literature cited by the submitters: PubMed 24156927 (cited by 3 submitters); PubMed 20104584 (cited by Labcorp Genetics (formerly Invitae), Labcorp).